The following is an entry in ClinVar:

ClinVar aggregate classification (germline): Uncertain significance (1 of 4 stars; one submission).

Allele frequency attached by ClinVar (database versions not stated): gnomAD exomes below 0.00001.
gnomAD v4.1: 1 of 1,602,940 alleles (0.000062%); highest among the groups gnomAD compares: Admixed American, 0.0017%; no homozygotes.

Submission:

GeneDx
Classification: Uncertain significance. Last evaluated: 2022-01-05. Review status: criteria provided, single submitter. Criteria: GeneDx Variant Classification Process June 2021. Collection method: clinical testing. Allele origin: germline. Affected: yes.
Comment: Not observed at significant frequency in large population cohorts (gnomAD); In silico analysis supports that this missense variant has a deleterious effect on protein structure/function; Has not been previously published as pathogenic or benign to our knowledge

NM_007118.4(TRIO):c.9290T>A (p.Val3097Asp)

Gene: TRIO (trio Rho guanine nucleotide exchange factor; plus strand). Cytogenetic location: 5p15.2.
Variant type: single nucleotide variant.
Coding change: c.9290T>A on transcript NM_007118.4 (MANE Select); coding-DNA position 9290, T replaced by A.
Protein change: p.Val3097Asp; replaces valine 3097 with aspartic acid.
Molecular consequence: missense variant. On other transcripts: non-coding transcript variant (1).
Genome position (GRCh38, 1-based): chr5:14,508,418, T>A. VCF-style: chr5-14508418-T-A. GRCh37 (hg19) VCF-style: chr5-14508527-T-A.
Other names: short protein forms V3097D.
Identifiers: ClinVar variation 1695593 (VCV001695593.2), dbSNP rs2126725906, ClinGen allele CA359241787.